The following is an entry in ClinVar:

ClinVar aggregate classification (germline): Uncertain significance (1 of 4 stars; one submission).

Conditions:
Hereditary cancer-predisposing syndrome. Also called: Tumor predisposition; Neoplastic Syndromes, Hereditary; Hereditary neoplastic syndrome; Hereditary Cancer Syndrome. Identifiers: Orphanet 140162, MedGen C0027672, MeSH D009386, MONDO:0015356.

Submission:

Labcorp Genetics (formerly Invitae), Labcorp
Classification: Uncertain significance for Hereditary cancer-predisposing syndrome. Last evaluated: 2019-02-12. Review status: criteria provided, single submitter. Criteria: Invitae Variant Classification Sherloc (09022015). Collection method: clinical testing. Allele origin: germline.
Comment: In summary, the available evidence is currently insufficient to determine the role of this variant in disease. Therefore, it has been classified as a Variant of Uncertain Significance. Algorithms developed to predict the effect of missense changes on protein structure and function are either unavailable or do not agree on the potential impact of this missense change (SIFT: "Deleterious"; PolyPhen-2: "Benign"; Align-GVGD: "Class C0"). This variant has not been reported in the literature in individuals with RAD50-related conditions. This variant is not present in population databases (ExAC no frequency). This sequence change replaces cysteine with tyrosine at codon 788 of the RAD50 protein (p.Cys788Tyr). The cysteine residue is moderately conserved and there is a large physicochemical difference between cysteine and tyrosine.

NM_005732.4(RAD50):c.2363G>A (p.Cys788Tyr)

Gene: RAD50 (RAD50 double strand break repair protein; plus strand). Cytogenetic location: 5q31.1.
Variant type: single nucleotide variant.
Coding change: c.2363G>A on transcript NM_005732.4 (MANE Select); coding-DNA position 2363, G replaced by A.
Protein change: p.Cys788Tyr; replaces cysteine 788 with tyrosine.
Molecular consequence: missense variant.
Genome position (GRCh38, 1-based): chr5:132,603,455, G>A. VCF-style: chr5-132603455-G-A. GRCh37 (hg19) VCF-style: chr5-131939147-G-A.
Other names: short protein forms C788Y.
Identifiers: ClinVar variation 848739 (VCV000848739.10), dbSNP rs1581001167, ClinGen allele CA360954932.